The following is an entry in ClinVar:

ClinVar aggregate classification (germline): Uncertain significance (1 of 4 stars; one submission).

Conditions:
Oligodontia-cancer predisposition syndrome. Also called: TOOTH AGENESIS-COLORECTAL CANCER SYNDROME. Identifiers: Orphanet 300576, MedGen C1837750, MONDO:0012075, OMIM 608615. Disease mechanism: loss of function.

Submission:

Labcorp Genetics (formerly Invitae), Labcorp
Classification: Uncertain significance for Oligodontia-cancer predisposition syndrome. Last evaluated: 2023-08-20. Review status: criteria provided, single submitter. Criteria: Invitae Variant Classification Sherloc (09022015). Collection method: clinical testing. Allele origin: germline.
Comment: This variant has not been reported in the literature in individuals affected with AXIN2-related conditions. This variant is not present in population databases (gnomAD no frequency). This sequence change replaces leucine, which is neutral and non-polar, with proline, which is neutral and non-polar, at codon 94 of the AXIN2 protein (p.Leu94Pro). ClinVar contains an entry for this variant (Variation ID: 1053660). In summary, the available evidence is currently insufficient to determine the role of this variant in disease. Therefore, it has been classified as a Variant of Uncertain Significance. Advanced modeling of protein sequence and biophysical properties (such as structural, functional, and spatial information, amino acid conservation, physicochemical variation, residue mobility, and thermodynamic stability) performed at Invitae indicates that this missense variant is expected to disrupt AXIN2 protein function.

NM_004655.4(AXIN2):c.281T>C (p.Leu94Pro)

Gene: AXIN2 (axin 2; minus strand). Cytogenetic location: 17q24.1.
Variant type: single nucleotide variant.
Coding change: c.281T>C on transcript NM_004655.4 (MANE Select); coding-DNA position 281, T replaced by C.
Protein change: p.Leu94Pro; replaces leucine 94 with proline.
Molecular consequence: missense variant.
Genome position (GRCh38, 1-based): chr17:65,558,340, A>G on the plus strand (T>C on the coding strand, the complement: AXIN2 is on the minus strand). VCF-style: chr17-65558340-A-G. GRCh37 (hg19) VCF-style: chr17-63554458-A-G.
Other names: c.281T>C, p.Leu94Pro (NM_001363813.1); short protein forms L94P.
Identifiers: ClinVar variation 1053660 (VCV001053660.9), dbSNP rs2144588667, ClinGen allele CA400681745.